The following is an entry in ClinVar:

NM_014363.6(SACS):c.12854G>A (p.Ser4285Asn)

Gene: SACS (sacsin molecular chaperone; minus strand). Cytogenetic location: 13q12.12.
Variant type: single nucleotide variant.
Coding change: c.12854G>A on transcript NM_014363.6 (MANE Select); coding-DNA position 12854, G replaced by A.
Protein change: p.Ser4285Asn; replaces serine 4285 with asparagine.
Molecular consequence: missense variant.
Genome position (GRCh38, 1-based): chr13:23,331,022, C>T on the plus strand (G>A on the coding strand, the complement: SACS is on the minus strand). VCF-style: chr13-23331022-C-T. GRCh37 (hg19) VCF-style: chr13-23905161-C-T.
Other names: c.12854G>A (NM_014363.4); c.12413G>A, p.Ser4138Asn (NM_001278055.2); short protein forms S4138N, S4285N.
Identifiers: ClinVar variation 1343975 (VCV001343975.9), dbSNP rs371935764, ClinGen allele CA6910064.

ClinVar aggregate classification (germline): Conflicting classifications of pathogenicity. Review status: criteria provided, conflicting classifications (1 of 4 stars). 3 submissions from 3 submitters: Uncertain significance (2); Likely benign (1). Last evaluated 2025-06-20.

Conditions:
Spastic paraplegia. Identifiers: MedGen C0037772, HP:0001258.
Hereditary spastic paraplegia. Also called: Familial spastic paraparesis. Identifiers: Orphanet 685, MedGen C0037773, MONDO:0019064. Disease mechanism: loss of function.

Allele frequency attached by ClinVar (database versions not stated): ExAC 0.00003; gnomAD exomes 0.00003 and 0.00006; TOPMed 0.00003; gnomAD 0.00006; ESP Exome Variant Server 0.00015.
gnomAD v4.1: 95 of 1,613,952 alleles (0.0059%); highest among the groups gnomAD compares: Non-Finnish European, 0.0078%; no homozygotes.

Submissions (3):

Labcorp Genetics (formerly Invitae), Labcorp
Classification: Likely benign for Spastic paraplegia. Last evaluated: 2025-06-20. Review status: criteria provided, single submitter. Criteria: Invitae Variant Classification Sherloc (09022015). Collection method: clinical testing. Allele origin: germline.

Athena Diagnostics
Classification: Uncertain significance. Last evaluated: 2025-04-08. Review status: criteria provided, single submitter. Criteria: Athena Diagnostics Criteria. Collection method: clinical testing. Allele origin: unknown.
Comment: Available data are insufficient to determine the clinical significance of the variant at this time. The frequency of this variant in the general population is uninformative in assessment of its pathogenicity. Polyphen and MutationTaster predict this amino acid change may be benign.

Genome Diagnostics Laboratory, The Hospital for Sick Children
Classification: Uncertain significance for Hereditary spastic paraplegia. Last evaluated: 2021-09-01. Review status: criteria provided, single submitter. Criteria: ACMG Guidelines, 2015. Collection method: clinical testing. Allele origin: germline. Affected: yes.